The following is an entry in ClinVar:

ClinVar aggregate classification (germline): Uncertain significance (1 of 4 stars; one submission).

Conditions:
Immunodeficiency 35 (IMD35). Also called: HYPER-IgE SYNDROME WITH ATYPICAL MYCOBACTERIOSIS, AUTOSOMAL RECESSIVE; TYK2 DEFICIENCY; HIES WITH ATYPICAL MYCOBACTERIOSIS, AUTOSOMAL RECESSIVE; Susceptibility to infection due to TYK2 deficiency. Identifiers: Orphanet 331226, MedGen C1969086, MONDO:0012682, OMIM 611521.

Submission:

Labcorp Genetics (formerly Invitae), Labcorp
Classification: Uncertain significance for Immunodeficiency 35. Last evaluated: 2022-03-06. Review status: criteria provided, single submitter. Criteria: Invitae Variant Classification Sherloc (09022015). Collection method: clinical testing. Allele origin: germline.
Comment: This sequence change replaces leucine, which is neutral and non-polar, with proline, which is neutral and non-polar, at codon 767 of the TYK2 protein (p.Leu767Pro). This variant is not present in population databases (gnomAD no frequency). This variant has not been reported in the literature in individuals affected with TYK2-related conditions. Algorithms developed to predict the effect of missense changes on protein structure and function are either unavailable or do not agree on the potential impact of this missense change (SIFT: "Not Available"; PolyPhen-2: "Probably Damaging"; Align-GVGD: "Not Available"). In summary, the available evidence is currently insufficient to determine the role of this variant in disease. Therefore, it has been classified as a Variant of Uncertain Significance.

NM_003331.5(TYK2):c.2300T>C (p.Leu767Pro)

Gene: TYK2 (tyrosine kinase 2; minus strand). Cytogenetic location: 19p13.2.
Variant type: single nucleotide variant.
Coding change: c.2300T>C on transcript NM_003331.5 (MANE Select); coding-DNA position 2300, T replaced by C.
Protein change: p.Leu767Pro; replaces leucine 767 with proline.
Molecular consequence: missense variant.
Genome position (GRCh38, 1-based): chr19:10,358,014, A>G on the plus strand (T>C on the coding strand, the complement: TYK2 is on the minus strand). VCF-style: chr19-10358014-A-G. GRCh37 (hg19) VCF-style: chr19-10468690-A-G.
Other names: c.2300T>C, p.Leu767Pro (NM_001385197.1, NM_001385198.1, NM_001385200.1 and 3 more transcripts); c.2114T>C, p.Leu705Pro (NM_001385199.1); c.2102T>C, p.Leu701Pro (NM_001385201.1); c.2216T>C, p.Leu739Pro (NM_001385202.1); c.2210T>C, p.Leu737Pro (NM_001385205.1); c.2174T>C, p.Leu725Pro (NM_001385206.1); c.2282T>C, p.Leu761Pro (NM_001385207.1); short protein forms L725P, L705P, L701P, L739P, L761P, L737P, L767P.
Identifiers: ClinVar variation 2107460 (VCV002107460.4), dbSNP rs2512496557, ClinGen allele CA403996387.